The following is an entry in ClinVar:

ClinVar aggregate classification (germline): Uncertain significance (1 of 4 stars; one submission).

Conditions:
Autoimmune lymphoproliferative syndrome type 2B. Also called: AUTOIMMUNE LYMPHOPROLIFERATIVE SYNDROME, TYPE IIB. Identifiers: Orphanet 275517, MedGen C1846545, MONDO:0011804, OMIM 607271.

Allele frequency attached by ClinVar (database versions not stated): gnomAD exomes below 0.00001.
gnomAD v4.1: 1 of 1,613,102 alleles (0.000062%); highest among the groups gnomAD compares: Non-Finnish European, 0.000085%; no homozygotes.

Submission:

Labcorp Genetics (formerly Invitae), Labcorp
Classification: Uncertain significance for Autoimmune lymphoproliferative syndrome type 2B. Last evaluated: 2020-12-29. Review status: criteria provided, single submitter. Criteria: Invitae Variant Classification Sherloc (09022015). Collection method: clinical testing. Allele origin: germline.
Comment: This sequence change replaces arginine with glycine at codon 230 of the CASP8 protein (p.Arg230Gly). The arginine residue is weakly conserved and there is a moderate physicochemical difference between arginine and glycine. This variant is not present in population databases (ExAC no frequency). This variant has not been reported in the literature in individuals with CASP8-related conditions. Algorithms developed to predict the effect of missense changes on protein structure and function output the following: SIFT: "Tolerated"; PolyPhen-2: "Benign"; Align-GVGD: "Class C0". The glycine amino acid residue is found in multiple mammalian species, suggesting that this missense change does not adversely affect protein function. These predictions have not been confirmed by published functional studies and their clinical significance is uncertain. Algorithms developed to predict the effect of sequence changes on RNA splicing suggest that this variant may create or strengthen a splice site, but this prediction has not been confirmed by published transcriptional studies. In summary, the available evidence is currently insufficient to determine the role of this variant in disease. Therefore, it has been classified as a Variant of Uncertain Significance.

NM_001372051.1(CASP8):c.637A>G (p.Arg213Gly)

Gene: CASP8 (caspase 8; plus strand). Cytogenetic location: 2q33.1.
Variant type: single nucleotide variant.
Coding change: c.637A>G on transcript NM_001372051.1 (MANE Select); coding-DNA position 637, A replaced by G.
Protein change: p.Arg213Gly; replaces arginine 213 with glycine.
Molecular consequence: missense variant. On other transcripts: intron variant (16), non-coding transcript variant (19).
Genome position (GRCh38, 1-based): chr2:201,274,930, A>G. VCF-style: chr2-201274930-A-G. GRCh37 (hg19) VCF-style: chr2-202139653-A-G.
Other names: c.64-1897A>G (NM_001400673.1, NM_001400672.1, NM_001400750.1 and 1 more transcripts); c.19-1897A>G (NM_001400675.1, NM_001400677.1, NM_001400751.1 and 2 more transcripts); c.592A>G, p.Arg198Gly (NM_001080124.2, NM_001400662.1, NM_001400663.1 and 5 more transcripts); c.814A>G, p.Arg272Gly (NM_001080125.2); c.688A>G, p.Arg230Gly (NM_001228.5); c.769A>G, p.Arg257Gly (NM_001400642.1); c.637A>G, p.Arg213Gly (NM_001400648.1, NM_001400670.1, NM_033355.4 and 6 more transcripts); c.328A>G, p.Arg110Gly (NM_001400669.1); and 7 more; short protein forms R198G, R213G, R230G, R272G, R110G, R257G, R8G.
Identifiers: ClinVar variation 1497681 (VCV001497681.8), dbSNP rs2125292256, ClinGen allele CA350293063.